The following is an entry in ClinVar:

ClinVar aggregate classification (germline): Benign (3 of 4 stars; one submission).

Conditions:
Breast-ovarian cancer, familial, susceptibility to, 2 (BROVCA2). Also called: BRCA2 Hereditary Breast and Ovarian Cancer. Identifiers: Orphanet 145, MedGen C2675520, MONDO:0012933, OMIM 612555. Disease mechanism: loss of function.

Allele frequency attached by ClinVar (database versions not stated): gnomAD 0.00356 and 0.00387; 1000 Genomes Project 0.00379; 1000 Genomes Project 30x 0.00390; TOPMed 0.00394.
gnomAD v4.1: 534 of 152,300 alleles (0.35%); highest among the groups gnomAD compares: African/African-American, 1.3%; 2 homozygotes.

Submission:

Evidence-based Network for the Interpretation of Germline Mutant Alleles (ENIGMA)
Classification: Benign for Breast-ovarian cancer, familial, susceptibility to, 2. Last evaluated: 2016-09-28. Review status: reviewed by expert panel. Criteria: ENIGMA BRCA1/2 Classification Criteria (2015). Collection method: curation. Allele origin: germline.
Comment: Class 1 not pathogenic based on frequency >1% in an outbred sampleset. Frequency 0.0136 (African), derived from 1000 genomes (2013-05-02).

NM_000059.4(BRCA2):c.9256+1913G>A

Gene: BRCA2 (BRCA2 DNA repair associated; plus strand). Cytogenetic location: 13q13.1.
Variant type: single nucleotide variant.
Coding change: c.9256+1913G>A on transcript NM_000059.4 (MANE Select); 1913 bases into the intron after coding-DNA position 9256, G replaced by A.
Molecular consequence: intron variant.
Genome position (GRCh38, 1-based): chr13:32,382,058, G>A. VCF-style: chr13-32382058-G-A. GRCh37 (hg19) VCF-style: chr13-32956195-G-A.
Identifiers: ClinVar variation 264888 (VCV000264888.1), dbSNP rs11571777, ClinGen allele CA10588157.